The following is an entry in ClinVar:

GRCh38/hg38 8q22.2-22.3(chr8:100023254-101190270)x3

Genes: ANKRD46 (ankyrin repeat domain 46; minus strand), FBXO43 (F-box protein 43; minus strand), LINC03044 (long independently transcribed non-coding RNA 3044; minus strand), LINC03090 (long independently transcribed non-coding RNA 3090; plus strand), MIR4471 (microRNA 4471; plus strand) and 75 more. Cytogenetic location: 8q22.2-22.3.
Variant type: copy number gain.
Change: copy number 3 (three copies instead of two) of chr8:100,023,254-101,190,270 (1.17 Mb, GRCh38 coordinates, 1-based), cytogenetic band 8q22.2-22.3.
Identifiers: ClinVar variation 57124 (VCV000057124.1).

ClinVar aggregate classification (germline): Pathogenic (1 of 4 stars; one submission).

Submission:

ISCA site 4
Classification: Pathogenic. Last evaluated: 2011-08-12. Review status: criteria provided, single submitter. Criteria: Kaminsky et al. (Genet Med. 2011). Collection method: clinical testing. Allele origin: de novo. Affected: yes. Observed: 1 variant allele.
Comment: Copy number variation identified through the course of routine clinical cytogenomic testing in postnatal populations. Clinical assertions have been curated as described in Kaminsky et al. 2011.